The following is an entry in ClinVar:

NM_001385012.1(NBEA):c.3041G>A (p.Ser1014Asn)

Gene: NBEA (neurobeachin; plus strand). Cytogenetic location: 13q13.3.
Variant type: single nucleotide variant.
Coding change: c.3041G>A on transcript NM_001385012.1 (MANE Select); coding-DNA position 3041, G replaced by A.
Protein change: p.Ser1014Asn; replaces serine 1014 with asparagine.
Molecular consequence: missense variant.
Genome position (GRCh38, 1-based): chr13:35,159,212, G>A. VCF-style: chr13-35159212-G-A. GRCh37 (hg19) VCF-style: chr13-35733349-G-A.
Other names: c.3041G>A, p.Ser1014Asn (NM_001379245.1, NM_015678.5); short protein forms S1014N.
Identifiers: ClinVar variation 1675522 (VCV001675522.33), dbSNP rs2152710641, ClinGen allele CA387836604.
Genomic context (GRCh38, chr13:35,159,212, plus strand): 5'-CAAAAGGTGGAATGGAAATTCGAGAGATAGAAGATCTTTCACAAAGCCAGAGCCCAGAAA[G>A]TGAGACCGATTACCCTGTCAGCACAGATACTCGAGACTTACTCATGTCAACAAAAGTGTC-3'
Protein context (NP_001371941.1, residues 1004-1024): EDLSQSQSPE[Ser1014Asn]ETDYPVSTDT

ClinVar aggregate classification (germline): Uncertain significance (1 of 4 stars; one submission).

Submission:

CeGaT Center for Human Genetics Tuebingen
Classification: Uncertain significance. Last evaluated: 2025-06-01. Review status: criteria provided, single submitter. Criteria: CeGaT Center For Human Genetics Tuebingen Variant Classification Criteria Version 2. Collection method: clinical testing. Allele origin: germline. Affected: yes. Observed: 2 variant alleles.
Comment: NBEA: PM2